The following is an entry in ClinVar:

NM_006767.4(LZTR1):c.2306C>A (p.Thr769Lys)

Gene: LZTR1 (leucine zipper like post translational regulator 1; plus strand). Cytogenetic location: 22q11.21.
Variant type: single nucleotide variant.
Coding change: c.2306C>A on transcript NM_006767.4 (MANE Select); coding-DNA position 2306, C replaced by A.
Protein change: p.Thr769Lys; replaces threonine 769 with lysine.
Molecular consequence: missense variant.
Genome position (GRCh38, 1-based): chr22:20,996,782, C>A. VCF-style: chr22-20996782-C-A. GRCh37 (hg19) VCF-style: chr22-21351071-C-A.
Other names: short protein forms T769K.
Identifiers: ClinVar variation 4101865 (VCV004101865.1).

ClinVar aggregate classification (germline): Uncertain significance (1 of 4 stars; one submission).

Conditions:
Cardiovascular phenotype. Identifiers: MedGen CN230736.
Hereditary cancer-predisposing syndrome. Also called: Tumor predisposition; Neoplastic Syndromes, Hereditary; Hereditary neoplastic syndrome; Hereditary Cancer Syndrome. Identifiers: Orphanet 140162, MedGen C0027672, MeSH D009386, MONDO:0015356.

Submission:

Ambry Genetics
Classification: Uncertain significance for Cardiovascular phenotype; Hereditary cancer-predisposing syndrome. Last evaluated: 2025-06-17. Review status: criteria provided, single submitter. Criteria: Ambry Variant Classification Scheme 2023. Collection method: clinical testing. Allele origin: germline.
Comment: The p.T769K variant (also known as c.2306C>A), located in coding exon 19 of the LZTR1 gene, results from a C to A substitution at nucleotide position 2306. The threonine at codon 769 is replaced by lysine, an amino acid with similar properties. This amino acid position is highly conserved in available vertebrate species. In addition, this alteration is predicted to be deleterious by in silico analysis. Based on the available evidence, the clinical significance of this variant remains unclear.